The following is an entry in ClinVar:

ClinVar aggregate classification (germline): Uncertain significance. Review status: criteria provided, multiple submitters, no conflicts (2 of 4 stars). 2 submissions from 2 submitters: Uncertain significance (2). Last evaluated 2024-09-16.

Allele frequency attached by ClinVar (database versions not stated): TOPMed below 0.00001; gnomAD 0.00001; gnomAD exomes 0.00001.
gnomAD v4.1: 5 of 1,614,090 alleles (0.00031%); highest among the groups gnomAD compares: Non-Finnish European, 0.00042%; no homozygotes.

Submissions (2):

Women's Health and Genetics/Laboratory Corporation of America, LabCorp
Classification: Uncertain significance. Last evaluated: 2024-09-16. Review status: criteria provided, single submitter. Criteria: LabCorp Variant Classification Summary - May 2015. Collection method: clinical testing. Allele origin: germline.
Comment: Variant summary: SYNE1 c.25435A>G (p.Met8479Val) results in a conservative amino acid change in the encoded protein sequence. Three of five in-silico tools predict a benign effect of the variant on protein function. The variant was absent in 251346 control chromosomes. The available data on variant occurrences in the general population are insufficient to allow any conclusion about variant significance. To our knowledge, no occurrence of c.25435A>G in individuals affected with SYNE1-Related Disorders and no experimental evidence demonstrating its impact on protein function have been reported. ClinVar contains an entry for this variant (Variation ID: 2436687). Based on the evidence outlined above, the variant was classified as uncertain significance.

Revvity Omics, Revvity
Classification: Uncertain significance. Last evaluated: 2019-09-24. Review status: criteria provided, single submitter. Criteria: ACMG Guidelines, 2015. Collection method: clinical testing. Allele origin: germline.

NM_182961.4(SYNE1):c.25579A>G (p.Met8527Val)

Gene: SYNE1 (spectrin repeat containing nuclear envelope protein 1; minus strand). Cytogenetic location: 6q25.2.
Variant type: single nucleotide variant.
Coding change: c.25579A>G on transcript NM_182961.4 (MANE Select); coding-DNA position 25579, A replaced by G.
Protein change: p.Met8527Val; replaces methionine 8527 with valine.
Molecular consequence: missense variant.
Genome position (GRCh38, 1-based): chr6:152,136,698, T>C on the plus strand (A>G on the coding strand, the complement: SYNE1 is on the minus strand). VCF-style: chr6-152136698-T-C. GRCh37 (hg19) VCF-style: chr6-152457833-T-C.
Other names: c.2185A>G, p.Met729Val (NM_001347701.2); c.2113A>G, p.Met705Val (NM_001347702.2); c.25435A>G, p.Met8479Val (NM_033071.5); short protein forms M705V, M729V, M8479V, M8527V.
Identifiers: ClinVar variation 2436687 (VCV002436687.4), dbSNP rs1216901317, ClinGen allele CA366078940.